The following is an entry in ClinVar:

NM_001330078.2(NRXN1):c.2723C>T (p.Thr908Ile)

Gene: NRXN1 (neurexin 1; minus strand). Cytogenetic location: 2p16.3.
Variant type: single nucleotide variant.
Coding change: c.2723C>T on transcript NM_001330078.2 (MANE Select); coding-DNA position 2723, C replaced by T.
Protein change: p.Thr908Ile; replaces threonine 908 with isoleucine.
Molecular consequence: missense variant.
Genome position (GRCh38, 1-based): chr2:50,497,489, G>A on the plus strand (C>T on the coding strand, the complement: NRXN1 is on the minus strand). VCF-style: chr2-50497489-G-A. GRCh37 (hg19) VCF-style: chr2-50724627-G-A.
Other names: c.2843C>T, p.Thr948Ile (NM_001135659.3); c.2699C>T, p.Thr900Ile (NM_001330077.2, NM_001330082.2); c.2657C>T, p.Thr886Ile (NM_001330083.2, NM_001330084.2); c.2696C>T, p.Thr899Ile (NM_001330085.2); c.2723C>T, p.Thr908Ile (NM_001330086.2, NM_004801.6); c.2612C>T, p.Thr871Ile (NM_001330087.2, NM_001330096.2); c.2642C>T, p.Thr881Ile (NM_001330088.2); c.2720C>T, p.Thr907Ile (NM_001330093.2); and 2 more; short protein forms T871I, T881I, T886I, T891I, T899I, T900I, T904I, T907I.
Identifiers: ClinVar variation 1004045 (VCV001004045.8), dbSNP rs1050170217, ClinGen allele CA47360707.

ClinVar aggregate classification (germline): Uncertain significance (1 of 4 stars; one submission).

Conditions:
Pitt-Hopkins-like syndrome 2 (PTHSL2). Identifiers: Orphanet 221150, Orphanet 600663, MedGen C3280479, MONDO:0013690, OMIM 614325.

Allele frequency attached by ClinVar (database versions not stated): TOPMed below 0.00001.

Submission:

Labcorp Genetics (formerly Invitae), Labcorp
Classification: Uncertain significance for Pitt-Hopkins-like syndrome 2. Last evaluated: 2025-10-16. Review status: criteria provided, single submitter. Criteria: Invitae Variant Classification Sherloc (09022015). Collection method: clinical testing. Allele origin: germline.
Comment: This sequence change replaces threonine, which is neutral and polar, with isoleucine, which is neutral and non-polar, at codon 948 of the NRXN1 protein (p.Thr948Ile). This variant is not present in population databases (gnomAD no frequency). This variant has not been reported in the literature in individuals affected with NRXN1-related conditions. ClinVar contains an entry for this variant (Variation ID: 1004045). An algorithm developed to predict the effect of missense changes on protein structure and function (PolyPhen-2) suggests that this variant is likely to be tolerated. In summary, the available evidence is currently insufficient to determine the role of this variant in disease. Therefore, it has been classified as a Variant of Uncertain Significance.